The following is an entry in ClinVar:

NM_001330078.2(NRXN1):c.-22C>A

Gene: NRXN1 (neurexin 1; minus strand). Cytogenetic location: 2p16.3.
Variant type: single nucleotide variant.
Coding change: c.-22C>A on transcript NM_001330078.2 (MANE Select); 22 bases upstream of the start codon, C replaced by A.
Molecular consequence: 5 prime UTR variant.
Genome position (GRCh38, 1-based): chr2:51,028,295, G>T on the plus strand (C>A on the coding strand, the complement: NRXN1 is on the minus strand). VCF-style: chr2-51028295-G-T. GRCh37 (hg19) VCF-style: chr2-51255433-G-T.
Other names: c.-22C>A (NM_001135659.3, NM_001330077.2, NM_001330079.2 and 15 more transcripts).
Identifiers: ClinVar variation 378280 (VCV000378280.1), dbSNP rs1057520336, ClinGen allele CA16604228.
Genomic context (GRCh38, chr2:51,028,295, plus strand): 5'-AAGAAAACAGCCCCCGCGCTGGAGCAGCGCCGTCCCCATGCTCGGGGCTGGGGTGCGGCG[G>T]GGGGGTGCCGGGGCCGACAGGGTCAAAATGGTCCTGGACACCGTGACGAAGAAATAAGGG-3'

ClinVar aggregate classification (germline): Likely benign (1 of 4 stars; one submission).

Allele frequency attached by ClinVar (database versions not stated): TOPMed 0.00001; gnomAD exomes 0.00002.
gnomAD v4.1: 4 of 1,411,292 alleles (0.00028%); highest among the groups gnomAD compares: South Asian, 0.0016%; no homozygotes.

Submission:

GeneDx
Classification: Likely benign. Last evaluated: 2016-01-27. Review status: criteria provided, single submitter. Criteria: GeneDx Variant Classification (06012015). Collection method: clinical testing. Allele origin: germline. Affected: yes.
Comment: This variant is considered likely benign or benign based on one or more of the following criteria: it is a conservative change, it occurs at a poorly conserved position in the protein, it is predicted to be benign by multiple in silico algorithms, and/or has population frequency not consistent with disease.